The following is an entry in ClinVar:

ClinVar aggregate classification (germline): Likely pathogenic (1 of 4 stars; one submission).

Conditions:
Cardiovascular phenotype. Identifiers: MedGen CN230736.

Submission:

Ambry Genetics
Classification: Likely pathogenic for Cardiovascular phenotype. Last evaluated: 2023-10-03. Review status: criteria provided, single submitter. Criteria: Ambry Variant Classification Scheme 2023. Collection method: clinical testing. Allele origin: germline.
Comment: The c.1398_1399delGA variant, located in coding exon 9 of the ACVRL1 gene, results from a deletion of two nucleotides at nucleotide positions 1398 to 1399, causing a translational frameshift with a predicted alternate stop codon (p.Q466Hfs*27). This alteration occurs at the 3' terminus of theACVRL1 gene, is not expected to trigger nonsense-mediated mRNA decay, and only impacts the last 38 amino acids of the protein. However, premature stop codons are typically deleterious in nature and the impacted region is critical for protein function (Ambry internal data). This variant is considered to be rare based on population cohorts in the Genome Aggregation Database (gnomAD). Based on the majority of available evidence to date, this variant is likely to be pathogenic.

NM_000020.3(ACVRL1):c.1398_1399del (p.Gln466fs)

Gene: ACVRL1 (activin A receptor like type 1; plus strand). Cytogenetic location: 12q13.13.
Variant type: Deletion.
Coding change: c.1398_1399del on transcript NM_000020.3 (MANE Select); coding-DNA positions 1398 to 1399, 2 bases deleted (GA; older notation c.1398_1399delGA).
Protein change: p.Gln466fs; shifts the reading frame from glutamine 466.
Molecular consequence: frameshift variant.
Genome position (GRCh38, 1-based): chr12:51,920,779-51,920,780, GA deleted; deleting any 2 consecutive bases within chr12:51,920,778-51,920,780 gives the same sequence; the c. name uses the placement nearest the transcript's 3' end. VCF-style (leftmost placement, unchanged base first): chr12-51920777-CAG-C. GRCh37 (hg19) VCF-style: chr12-52314561-CAG-C.
Other names: c.1398_1399del, p.Gln466fs (NM_001077401.2); c.1398_1399delGA, p.Gln466Hisfs (NM_001406487.1); c.1242_1243delGA, p.Gln414Hisfs (NM_001406490.1); c.1086_1087delGA, p.Gln362Hisfs (NM_001406491.1, NM_001406492.1); c.888_889delGA, p.Gln296Hisfs (NM_001406494.1); c.834_835delGA, p.Gln278Hisfs (NM_001406495.1); short protein forms Q466fs.
Identifiers: ClinVar variation 1771666 (VCV001771666.2), dbSNP rs2540174463, ClinGen allele CA2580086438.